The following is an entry in ClinVar:

ClinVar aggregate classification (germline): Likely pathogenic. Review status: criteria provided, multiple submitters, no conflicts (2 of 4 stars). 5 submissions from 4 submitters: Likely pathogenic (3). 2 of the submissions do not count toward it. Last evaluated 2025-12-04.

Conditions:
alpha Thalassemia. Also called: Alpha thalassemia spectrum. Identifiers: Orphanet 846, MedGen C0002312, MONDO:0011399, OMIM 604131.
Alpha-thalassemia, Dutch type. Also called: Alpha plus thalassemia. Identifiers: MedGen C1456873.
HEMOGLOBIN ZURICH ALBISRIEDEN.

Allele frequency attached by ClinVar (database versions not stated): gnomAD exomes 0.00001 and 0.00003; TOPMed 0.00001; ExAC 0.00014.
gnomAD v4.1: 8 of 1,138,250 alleles (0.0007%); highest among the groups gnomAD compares: South Asian, 0.0095%; 1 homozygote.

Submissions (5):

Natera, Inc.
Classification: Likely pathogenic for Alpha thalassemia. Last evaluated: 2025-12-04. Review status: criteria provided, single submitter. Criteria: Natera Variant Classification Schema (03/2026). Collection method: clinical testing. Allele origin: germline.
Comment: The c.178G>C variant in HBA2 is a missense variant predicted to cause substitution of glycine to arginine at amino acid 60. This variant is rare in the general population with a frequency below the threshold expected for the associated phenotype(s). This variant has been observed in at least one unaffected individual, with a zygosity that is consistent with the inheritance pattern for the associated condition (in gnomAD and/or literature). This variant has been observed in one or more individuals affected with the associated recessive disease, as either homozygous or compound heterozygous with a second variant (PMID: 34334003, 31930682, 30151892, 27686733). A different variant at the same position has been determined to be Pathogenic or Likely Pathogenic. Computational prediction algorithms indicate this variant is likely to affect gene or protein function. Given the available evidence, this variant is classified as Likely Pathogenic.

ARUP Laboratories, Molecular Genetics and Genomics, ARUP Laboratories
Classification: Likely pathogenic. Last evaluated: 2024-10-10. Review status: criteria provided, single submitter. Criteria: ARUP Molecular Germline Variant Investigation Process 2024. Collection method: clinical testing. Allele origin: germline.
Comment: The HBA2 c.178G>C; p.Gly60Arg variant (Hb Zurich Albisrieden, also known as Gly59Arg, when numbered from the mature protein, rs41328049, HbVar ID: 1199) is an unstable hemoglobin reported in the literatures in a heterozygous individual affected with hypochromic microcytosis with no symptoms (Dutly 2004, also see HbVar and references therein). Notably, homozygosity for this variant (Pedroso 2018) and compound heterozygosity with Southeast Asian deletion (Yang 2016) are associated with alpha thalassemia major or Hb H disease phenotypes. Additionally, the other variant at this codon (c.178G>A; p. Gly60Asp, also known as Hb Adana) has been reported in individuals with Hb H disease and are considered pathogenic (Guruk 1993). This variant is also reported in ClinVar (Variation ID: 15688) and is found in the general population with an overall allele frequency of 0.003% (4/131276 alleles, including 1 homozygote) in the Genome Aggregation Database. The amino acid substitution involves the glycine residue at a structurally critical position significantly affecting the stability of the hemoglobin (Dutly 2004, Scheps 2020, Sharma 2020). The glycine at codon 60 is highly conserved, and computational analyses predict that this variant is deleterious (REVEL: 0.934). Based on available information, the p.Gly60Arg variant is considered to be likely pathogenic. References: Curuk MA et al. Hb Adana or alpha 2(59)(E8)Gly-->Asp beta 2, a severely unstable alpha 1-globin variant, observed in combination with the -(alpha)20.5 Kb alpha-thal-1 deletion in two Turkish patients. Am J Hematol. 1993 Dec;44(4):270-5. PMID: 8237999. Dutly F et al. A new highly unstable alpha chain variant causing alpha(+)-thalassemia: Hb Zurich Albisrieden [alpha59(E8)Gly-->Arg (alpha2)]. Hemoglobin. 2004;28(4):347-51. PMID: 15658192. Link to HbVar database: Pedroso GA et al. Thalassemia major phenotype caused by HB ZÃ¼rich-Albisrieden [a2 59(E8) Gly > Arg (HBA2:C.178G > C)] in a Brazilian child. Pediatr Blood Cancer. 2018 Dec;65(12):e27413. PMID: 30151892. Scheps KG et al. Curating the gnomAD database: Report of novel variants in the globin-coding genes and bioinformatics analysis. Hum Mutat. 2020 Jan;41(1):81-102. PMID: 31553106. Sharma P et al. HbH disease due to compound heterozygosity for hemoglobins ZÃ¼rich-Albisrieden and Sallanches. Pediatr Blood Cancer. 2020 Apr;67(4):e28161. PMID: 31930682. Yang X et al. Hydrops Fetalis Associated with Compound Heterozygosity for Hb Zurich-Albisrieden (HBA2: C.178G?>?C) and the Southeast Asian (- -SEA/) Deletion. Hemoglobin. 2016 Sep;40(5):353-355. PMID: 27686733.

3billion
Classification: Likely pathogenic for alpha Thalassemia. Last evaluated: 2022-03-22. Review status: criteria provided, single submitter. Criteria: ACMG Guidelines, 2015. Collection method: clinical testing. Allele origin: germline. Affected: yes. Observed: 1 heterozygote.
Comment: Same or different nucleotide change resulting in same amino acid change has been previously reported to be associated with HBA2 related disorder (ClinVar ID: VCV000015688, PMID:15658192). A different missense change at the same codon has been reported as pathogenic/likely pathogenic with strong evidence (ClinVar ID: VCV000439112, PMID:8237999). In silico tool predictions suggest damaging effect of the variant on gene or gene product (REVEL: 0.934>=0.6, 3CNET: 0.989>=0.75). A missense variant is a common mechanism . The variant is observed at an extremely low frequency in the gnomAD v2.1.1 dataset (total allele frequency: 0.0000305). Therefore, this variant is classified as likely pathogenic according to the recommendation of ACMG/AMP guideline.

OMIM
Classification: other for HEMOGLOBIN ZURICH ALBISRIEDEN. Last evaluated: 2016-10-13. Review status: no assertion criteria provided. Collection method: literature only. Allele origin: germline. Not counted in ClinVar's aggregate classification.

OMIM
Classification: Pathogenic for ALPHA-PLUS-THALASSEMIA. Last evaluated: 2004-01-01. Review status: no assertion criteria provided. Collection method: literature only. Allele origin: germline. Not counted in ClinVar's aggregate classification.

Literature cited by the submitters: PubMed 34334003 (cited by Natera, Inc.); PubMed 31930682 (cited by Natera, Inc.); PubMed 30151892 (cited by Natera, Inc.); PubMed 27686733 (cited by Natera, Inc.); PubMed 15658192 (cited by 3billion and OMIM); PubMed 8237999 (cited by 3billion).

NM_000517.6(HBA2):c.178G>C (p.Gly60Arg)

Genes: HBA2 (hemoglobin subunit alpha 2; plus strand), LOC106804612 (hemoglobin subunit alpha 2 recombination region; plus strand). Cytogenetic location: 16p13.3.
Variant type: single nucleotide variant.
Coding change: c.178G>C on transcript NM_000517.6 (MANE Select); coding-DNA position 178, G replaced by C.
Protein change: p.Gly60Arg; replaces glycine 60 with arginine.
Molecular consequence: missense variant.
Genome position (GRCh38, 1-based): chr16:173,207, G>C. VCF-style: chr16-173207-G-C. GRCh37 (hg19) VCF-style: chr16-223206-G-C.
Other names: G59R; c.178G>C (NM_000517.5); short protein forms G60R.
Identifiers: ClinVar variation 15688 (VCV000015688.6), dbSNP rs41328049, ClinGen allele CA125654.